The following is an entry in ClinVar:

NM_000182.5(HADHA):c.1828C>G (p.Arg610Gly)

Genes: HADHA (hydroxyacyl-CoA dehydrogenase trifunctional multienzyme complex subunit alpha; minus strand), GAREM2 (GRB2 associated regulator of MAPK1 subtype 2; plus strand). Cytogenetic location: 2p23.3.
Variant type: single nucleotide variant.
Coding change: c.1828C>G on transcript NM_000182.5 (MANE Select); coding-DNA position 1828, C replaced by G.
Protein change: p.Arg610Gly; replaces arginine 610 with glycine.
Molecular consequence: missense variant.
Genome position (GRCh38, 1-based): chr2:26,193,634, G>C on the plus strand (C>G on the coding strand, the complement: HADHA is on the minus strand). VCF-style: chr2-26193634-G-C. GRCh37 (hg19) VCF-style: chr2-26416503-G-C.
Other names: short protein forms R610G.
Identifiers: ClinVar variation 557166 (VCV000557166.4), dbSNP rs267599303, ClinGen allele CA1559450.

ClinVar aggregate classification (germline): Conflicting classifications of pathogenicity. Review status: criteria provided, conflicting classifications (1 of 4 stars). 3 submissions from 3 submitters: Likely pathogenic (1); Uncertain significance (1). 1 of the submissions does not count toward it. Last evaluated 2024-01-05.

Conditions:
Long chain 3-hydroxyacyl-CoA dehydrogenase deficiency. Also called: LCHAD Deficiency; Deficiency of long-chain 3-hydroxyacyl-coenzyme A dehydrogenase. Identifiers: Orphanet 5, MedGen C3711645, MONDO:0012173, OMIM 609016.
Mitochondrial trifunctional protein deficiency 1 (MTPD1). Identifiers: MedGen CN376812, MONDO:0958181, OMIM 609015.

gnomAD v4.1: 5 of 1,613,986 alleles (0.00031%); highest among the groups gnomAD compares: Non-Finnish European, 0.00042%; no homozygotes.

Submissions (3):

Fulgent Genetics
Classification: Likely pathogenic for Mitochondrial trifunctional protein deficiency 1; Long chain 3-hydroxyacyl-CoA dehydrogenase deficiency. Last evaluated: 2024-01-05. Review status: criteria provided, single submitter. Criteria: ACMG Guidelines, 2015. Collection method: clinical testing. Allele origin: germline.

Women's Health and Genetics/Laboratory Corporation of America, LabCorp
Classification: Uncertain significance. Last evaluated: 2022-09-26. Review status: criteria provided, single submitter. Criteria: LabCorp Variant Classification Summary - May 2015. Collection method: clinical testing. Allele origin: germline.
Comment: Variant summary: HADHA c.1828C>G (p.Arg610Gly) results in a non-conservative amino acid change located in the 3-hydroxyacyl-CoA dehydrogenase, C-terminal (IPR006108) of the encoded protein sequence. Five of five in-silico tools predict a damaging effect of the variant on protein function. The variant allele was found at a frequency of 8e-06 in 251476 control chromosomes. c.1828C>G has been reported in the literature as a compound heterozygous genotype in a clinically and metabolically diagnosed patient affected with Long Chain 3-Hydroxyacyl-CoA Dehydrogenase Deficiency who carried the common pathogenic variant c.1528G>C on the second allele (Sykut-Cegielska_2011). Additionally, the variant was reported along with a novel HADHA variant (c.2281T>G) in three siblings diagnosed with later-onset, somewhat mild MTP (4-9 years old) (Grnert_2021, Grnert_2022). In these siblings, HADHB was not tested. These data indicate that the variant may be associated with disease. To our knowledge, no experimental evidence demonstrating an impact on protein function has been reported. One clinical diagnostic laboratory has submitted clinical-significance assessments for this variant to ClinVar after 2014 and classified the variant as uncertain significance. Based on the evidence outlined above, the variant was classified as VUS - possibly pathogenic.

Counsyl
Classification: Uncertain significance for Long chain 3-hydroxyacyl-CoA dehydrogenase deficiency. Last evaluated: 2018-03-18. Review status: no assertion criteria provided. Collection method: clinical testing. Allele origin: unknown. Not counted in ClinVar's aggregate classification.

Literature cited by the submitters: PubMed 35433174 (cited by Women's Health and Genetics/Laboratory Corporation of America, LabCorp); PubMed 33638202 (cited by Women's Health and Genetics/Laboratory Corporation of America, LabCorp); PubMed 30934865 (cited by Women's Health and Genetics/Laboratory Corporation of America, LabCorp); PubMed 21103935 (cited by Women's Health and Genetics/Laboratory Corporation of America, LabCorp and Counsyl).